The following is an entry in ClinVar:

NM_003242.6(TGFBR2):c.1518C>A (p.Asn506Lys)

Gene: TGFBR2 (transforming growth factor beta receptor 2; plus strand). Cytogenetic location: 3p24.1.
Variant type: single nucleotide variant.
Coding change: c.1518C>A on transcript NM_003242.6 (MANE Select); coding-DNA position 1518, C replaced by A.
Protein change: p.Asn506Lys; replaces asparagine 506 with lysine.
Molecular consequence: missense variant.
Genome position (GRCh38, 1-based): chr3:30,688,505, C>A. VCF-style: chr3-30688505-C-A. GRCh37 (hg19) VCF-style: chr3-30729997-C-A.
Other names: c.1593C>A, p.Asn531Lys (NM_001024847.3); c.1701C>A, p.Asn567Lys (NM_001407126.1); c.1626C>A, p.Asn542Lys (NM_001407127.1); c.1545C>A, p.Asn515Lys (NM_001407128.1); c.1521C>A, p.Asn507Lys (NM_001407129.1); c.1515C>A, p.Asn505Lys (NM_001407130.1); c.1413C>A, p.Asn471Lys (NM_001407132.1, NM_001407133.1, NM_001407134.1 and 2 more transcripts); c.1233C>A, p.Asn411Lys (NM_001407137.1); and 2 more; short protein forms N506K, N531K, N471K, N542K, N411K, N515K, N216K, N386K.
Identifiers: ClinVar variation 1171149 (VCV001171149.6), dbSNP rs2125452270, ClinGen allele CA351809451.

ClinVar aggregate classification (germline): Uncertain significance. Review status: criteria provided, multiple submitters, no conflicts (2 of 4 stars). 2 submissions from 2 submitters: Uncertain significance (2). Last evaluated 2024-03-06.

Conditions:
Familial thoracic aortic aneurysm and aortic dissection (TAAD). Also called: Thoracic aortic aneurysms and dissections. Identifiers: Orphanet 91387, MedGen C4707243, MONDO:0019625.

Submissions (2):

Color Diagnostics, LLC DBA Color Health
Classification: Uncertain significance for Familial thoracic aortic aneurysm and aortic dissection. Last evaluated: 2024-03-06. Review status: criteria provided, single submitter. Criteria: ACMG Guidelines, 2015. Collection method: clinical testing. Allele origin: germline.
Comment: This missense variant replaces asparagine with lysine at codon 506 of the TGFBR2 protein. Computational prediction suggests that this variant may not impact protein structure and function (internally defined REVEL score threshold <= 0.5, PMID: 27666373). To our knowledge, functional studies have not been reported for this variant. This variant has not been reported in individuals affected with cardiovascular disorders in the literature. This variant has not been identified in the general population by the Genome Aggregation Database (gnomAD). The available evidence is insufficient to determine the role of this variant in disease conclusively. Therefore, this variant is classified as a Variant of Uncertain Significance.

GeneDx
Classification: Uncertain significance. Last evaluated: 2022-03-07. Review status: criteria provided, single submitter. Criteria: GeneDx Variant Classification Process June 2021. Collection method: clinical testing. Allele origin: germline. Affected: yes.
Comment: Has not been previously published as pathogenic or benign to our knowledge; Not observed at significant frequency in large population cohorts (gnomAD); In silico analysis supports that this missense variant does not alter protein structure/function